The following is an entry in ClinVar:

ClinVar aggregate classification (germline): Uncertain significance (1 of 4 stars; one submission).

Conditions:
Alstrom syndrome (ALMS). Identifiers: Orphanet 64, MedGen C0268425, MONDO:0008763, OMIM 203800.

Allele frequency attached by ClinVar (database versions not stated): gnomAD exomes 0.00001; ExAC 0.00002.
gnomAD v4.1: 21 of 1,614,024 alleles (0.0013%); highest among the groups gnomAD compares: Non-Finnish European, 0.0017%; no homozygotes.

Submission:

Labcorp Genetics (formerly Invitae), Labcorp
Classification: Uncertain significance for Alstrom syndrome. Last evaluated: 2021-11-06. Review status: criteria provided, single submitter. Criteria: Invitae Variant Classification Sherloc (09022015). Collection method: clinical testing. Allele origin: germline.
Comment: In summary, the available evidence is currently insufficient to determine the role of this variant in disease. Therefore, it has been classified as a Variant of Uncertain Significance. Experimental studies and prediction algorithms are not available or were not evaluated, and the functional significance of this variant is currently unknown. This variant has not been reported in the literature in individuals affected with ALMS1-related conditions. This variant is present in population databases (rs767428243, gnomAD 0.002%). This sequence change replaces glutamine, which is neutral and polar, with histidine, which is basic and polar, at codon 173 of the ALMS1 protein (p.Gln173His).

NM_001378454.1(ALMS1):c.516G>T (p.Gln172His)

Gene: ALMS1 (ALMS1 centrosome and basal body associated protein; plus strand). Cytogenetic location: 2p13.1.
Variant type: single nucleotide variant.
Coding change: c.516G>T on transcript NM_001378454.1 (MANE Select); coding-DNA position 516, G replaced by T.
Protein change: p.Gln172His; replaces glutamine 172 with histidine.
Molecular consequence: missense variant.
Genome position (GRCh38, 1-based): chr2:73,419,188, G>T. VCF-style: chr2-73419188-G-T. GRCh37 (hg19) VCF-style: chr2-73646316-G-T.
Other names: c.519G>T, p.Gln173His (NM_015120.4); short protein forms Q172H, Q173H.
Identifiers: ClinVar variation 1393754 (VCV001393754.4), dbSNP rs767428243, ClinGen allele CA1712874.
Genomic context (GRCh38, chr2:73,419,188, plus strand): 5'-AGAATCTTGGCATTGTCTTCCTCAAGAAATGGACTCTTCCCAAACCTTGGATACATCCCA[G>T]ACTAGGTTTAATGTGAGAACGGAAGATACTGAAGTGACAGACTTCCCCTCTCTGGAGGAG-3'
Protein context (NP_001365383.1, residues 162-182): MDSSQTLDTS[Gln172His]TRFNVRTEDT